The following is an entry in ClinVar:

NM_182914.3(SYNE2):c.11261A>G (p.Glu3754Gly)

Gene: SYNE2 (spectrin repeat containing nuclear envelope protein 2; plus strand). Cytogenetic location: 14q23.2.
Variant type: single nucleotide variant.
Coding change: c.11261A>G on transcript NM_182914.3 (MANE Select); coding-DNA position 11261, A replaced by G.
Protein change: p.Glu3754Gly; replaces glutamic acid 3754 with glycine.
Molecular consequence: missense variant.
Genome position (GRCh38, 1-based): chr14:64,080,553, A>G. VCF-style: chr14-64080553-A-G. GRCh37 (hg19) VCF-style: chr14-64547271-A-G.
Other names: c.11261A>G, p.Glu3754Gly (NM_015180.6); short protein forms E3754G.
Identifiers: ClinVar variation 3665466 (VCV003665466.2).

ClinVar aggregate classification (germline): Uncertain significance (1 of 4 stars; one submission).

Conditions:
Emery-Dreifuss muscular dystrophy 5, autosomal dominant (EDMD5). Also called: EMERY-DREIFUSS MUSCULAR DYSTROPHY 5. Identifiers: Orphanet 261, MedGen C2751805, MONDO:0013072, OMIM 612999.

gnomAD v4.1: 10 of 1,614,220 alleles (0.00062%); highest among the groups gnomAD compares: Middle Eastern, 0.033%; no homozygotes.

Submission:

Labcorp Genetics (formerly Invitae), Labcorp
Classification: Uncertain significance for Emery-Dreifuss muscular dystrophy 5, autosomal dominant. Last evaluated: 2024-08-29. Review status: criteria provided, single submitter. Criteria: Invitae Variant Classification Sherloc (09022015). Collection method: clinical testing. Allele origin: germline.
Comment: This sequence change replaces glutamic acid, which is acidic and polar, with glycine, which is neutral and non-polar, at codon 3754 of the SYNE2 protein (p.Glu3754Gly). This variant is present in population databases (no rsID available, gnomAD 0.0009%). This variant has not been reported in the literature in individuals affected with SYNE2-related conditions. An algorithm developed to predict the effect of missense changes on protein structure and function (PolyPhen-2) suggests that this variant is likely to be disruptive. In summary, the available evidence is currently insufficient to determine the role of this variant in disease. Therefore, it has been classified as a Variant of Uncertain Significance.